The following is an entry in ClinVar:

NM_000264.5(PTCH1):c.1703C>T (p.Pro568Leu)

Gene: PTCH1 (patched 1; minus strand). Cytogenetic location: 9q22.32.
Variant type: single nucleotide variant.
Coding change: c.1703C>T on transcript NM_000264.5 (MANE Select); coding-DNA position 1703, C replaced by T.
Protein change: p.Pro568Leu; replaces proline 568 with leucine.
Molecular consequence: missense variant. On other transcripts: non-coding transcript variant (1).
Genome position (GRCh38, 1-based): chr9:95,476,059, G>A on the plus strand (C>T on the coding strand, the complement: PTCH1 is on the minus strand). VCF-style: chr9-95476059-G-A. GRCh37 (hg19) VCF-style: chr9-98238341-G-A.
Other names: c.1505C>T, p.Pro502Leu (NM_001083602.3); c.1700C>T, p.Pro567Leu (NM_001083603.3); c.1250C>T, p.Pro417Leu (NM_001083604.3, NM_001083605.3, NM_001083606.3 and 1 more transcripts); c.1547C>T, p.Pro516Leu (NM_001354918.2); short protein forms P502L, P568L, P417L, P516L, P567L.
Identifiers: ClinVar variation 4146836 (VCV004146836.1).

ClinVar aggregate classification (germline): Uncertain significance (1 of 4 stars; one submission).

Conditions:
Hereditary cancer-predisposing syndrome. Also called: Hereditary neoplastic syndrome; Neoplastic Syndromes, Hereditary; Tumor predisposition; Hereditary Cancer Syndrome. Identifiers: Orphanet 140162, MedGen C0027672, MeSH D009386, MONDO:0015356.

Submission:

Ambry Genetics
Classification: Uncertain significance for Hereditary cancer-predisposing syndrome. Last evaluated: 2025-08-20. Review status: criteria provided, single submitter. Criteria: Ambry Variant Classification Scheme 2023. Collection method: clinical testing. Allele origin: germline.
Comment: The p.P568L variant (also known as c.1703C>T), located in coding exon 12 of the PTCH1 gene, results from a C to T substitution at nucleotide position 1703. The proline at codon 568 is replaced by leucine, an amino acid with similar properties. This variant was reported in individual(s) with features consistent with PTCH1-related nevoid basal cell carcinoma syndrome (Ambry internal data). This amino acid position is highly conserved in available vertebrate species. In addition, this alteration is predicted to be deleterious by in silico analysis. Based on the available evidence, the clinical significance of this variant remains unclear.